The following is an entry in ClinVar:

ClinVar aggregate classification (germline): Uncertain significance (1 of 4 stars; one submission).

Conditions:
Hereditary nonpolyposis colorectal neoplasms. Identifiers: MedGen C0009405, MeSH D003123.

Submission:

Labcorp Genetics (formerly Invitae), Labcorp
Classification: Uncertain significance for Hereditary nonpolyposis colorectal neoplasms. Last evaluated: 2021-03-24. Review status: criteria provided, single submitter. Criteria: Invitae Variant Classification Sherloc (09022015). Collection method: clinical testing. Allele origin: germline.
Comment: This variant is not present in population databases (ExAC no frequency). This sequence change replaces arginine with lysine at codon 282 of the PMS2 protein (p.Arg282Lys). The arginine residue is highly conserved and there is a small physicochemical difference between arginine and lysine. This variant has been observed in individual(s) with breast cancer (PMID: 33471991). In summary, the available evidence is currently insufficient to determine the role of this variant in disease. Therefore, it has been classified as a Variant of Uncertain Significance. Advanced modeling of protein sequence and biophysical properties (such as structural, functional, and spatial information, amino acid conservation, physicochemical variation, residue mobility, and thermodynamic stability) performed at Invitae indicates that this missense variant is not expected to disrupt PMS2 protein function.

Literature cited by the submitters: PubMed 33471991.

NM_000535.7(PMS2):c.845G>A (p.Arg282Lys)

Gene: PMS2 (PMS1 homolog 2, mismatch repair system component; minus strand). Cytogenetic location: 7p22.1.
Variant type: single nucleotide variant.
Coding change: c.845G>A on transcript NM_000535.7 (MANE Select); coding-DNA position 845, G replaced by A.
Protein change: p.Arg282Lys; replaces arginine 282 with lysine.
Molecular consequence: missense variant. On other transcripts: 5 prime UTR variant (2), non-coding transcript variant (1).
Genome position (GRCh38, 1-based): chr7:5,995,592, C>T on the plus strand (G>A on the coding strand, the complement: PMS2 is on the minus strand). VCF-style: chr7-5995592-C-T. GRCh37 (hg19) VCF-style: chr7-6035223-C-T.
Other names: c.440G>A, p.Arg147Lys (NM_001322003.2, NM_001322004.2, NM_001322005.2 and 2 more transcripts); c.845G>A, p.Arg282Lys (NM_001322006.2, NM_001322014.2); c.527G>A, p.Arg176Lys (NM_001322007.2, NM_001322008.2); c.-89G>A (NM_001322011.2, NM_001322012.2); c.272G>A, p.Arg91Lys (NM_001322013.2); c.536G>A, p.Arg179Lys (NM_001322015.2); short protein forms R179K, R147K, R176K, R91K, R282K.
Identifiers: ClinVar variation 1426951 (VCV001426951.8), dbSNP rs2128775792, ClinGen allele CA366743504.